The following is an entry in ClinVar:

ClinVar aggregate classification (germline): Uncertain significance. Review status: criteria provided, multiple submitters, no conflicts (2 of 4 stars). 3 submissions from 3 submitters: Uncertain significance (3). Last evaluated 2025-01-17.

Conditions:
Autoinflammatory syndrome. Identifiers: Orphanet 93665, MedGen C3890737, MONDO:0019751.
Cyclical neutropenia. Also called: Cyclic Neutropenia; Cyclic hematopoiesis. Identifiers: Orphanet 2686, MedGen C0221023, MONDO:0008090, OMIM 162800, HP:0040289. Disease mechanism: loss of function.
Neutropenia, severe congenital, 1, autosomal dominant. Identifiers: MedGen C1859966, MONDO:0042490, OMIM 202700.
Inborn genetic diseases. Identifiers: MedGen C0950123, MeSH D030342.

Allele frequency attached by ClinVar (database versions not stated): gnomAD exomes below 0.00001.

Submissions (3):

Ambry Genetics
Classification: Uncertain significance for Inborn genetic diseases. Last evaluated: 2025-01-17. Review status: criteria provided, single submitter. Criteria: Ambry Variant Classification Scheme 2023. Collection method: clinical testing. Allele origin: germline.
Comment: The p.G23D variant (also known as c.68G>A) is located in coding exon 2 of the ELANE gene. The glycine at codon 23 is replaced by aspartic acid, an amino acid with similar properties. This change occurs in the first base pair of coding exon 2. This amino acid position is conserved. In addition, the in silico prediction for this alteration is inconclusive. Based on the available evidence, the clinical significance of this variant remains unclear.

Labcorp Genetics (formerly Invitae), Labcorp
Classification: Uncertain significance for Neutropenia, severe congenital, 1, autosomal dominant; Cyclical neutropenia. Last evaluated: 2024-04-10. Review status: criteria provided, single submitter. Criteria: Invitae Variant Classification Sherloc (09022015). Collection method: clinical testing. Allele origin: germline.
Comment: This sequence change replaces glycine, which is neutral and non-polar, with aspartic acid, which is acidic and polar, at codon 23 of the ELANE protein (p.Gly23Asp). This variant is not present in population databases (gnomAD no frequency). This variant has not been reported in the literature in individuals affected with ELANE-related conditions. ClinVar contains an entry for this variant (Variation ID: 1694271). An algorithm developed to predict the effect of missense changes on protein structure and function (PolyPhen-2) suggests that this variant is likely to be disruptive. In summary, the available evidence is currently insufficient to determine the role of this variant in disease. Therefore, it has been classified as a Variant of Uncertain Significance.

Genome Diagnostics Laboratory, The Hospital for Sick Children
Classification: Uncertain significance for Autoinflammatory syndrome. Last evaluated: 2020-09-23. Review status: criteria provided, single submitter. Criteria: ACMG Guidelines, 2015. Collection method: clinical testing. Allele origin: germline. Affected: yes.

NM_001972.4(ELANE):c.68G>A (p.Gly23Asp)

Gene: ELANE (elastase, neutrophil expressed; plus strand). Cytogenetic location: 19p13.3.
Variant type: single nucleotide variant.
Coding change: c.68G>A on transcript NM_001972.4 (MANE Select); coding-DNA position 68, G replaced by A.
Protein change: p.Gly23Asp; replaces glycine 23 with aspartic acid.
Molecular consequence: missense variant.
Genome position (GRCh38, 1-based): chr19:852,876, G>A. VCF-style: chr19-852876-G-A. GRCh37 (hg19) VCF-style: chr19-852876-G-A.
Other names: c.68G>A (NM_001972.2); short protein forms G23D.
Identifiers: ClinVar variation 1694271 (VCV001694271.7), dbSNP rs2145143878, ClinGen allele CA402914283.